The following is an entry in ClinVar:

NM_012123.4(MTO1):c.-4C>T

Gene: MTO1 (mitochondrial tRNA translation optimization 1; plus strand). Cytogenetic location: 6q13.
Variant type: single nucleotide variant.
Coding change: c.-4C>T on transcript NM_012123.4 (MANE Select); 4 bases upstream of the start codon, C replaced by T.
Molecular consequence: 5 prime UTR variant.
Genome position (GRCh38, 1-based): chr6:73,461,851, C>T. VCF-style: chr6-73461851-C-T. GRCh37 (hg19) VCF-style: chr6-74171574-C-T.
Other names: c.-4C>T (NM_001123226.2, NM_133645.3).
Identifiers: ClinVar variation 2441669 (VCV002441669.2), dbSNP rs772318333, ClinGen allele CA3889201.

ClinVar aggregate classification (germline): Conflicting classifications of pathogenicity. Review status: criteria provided, conflicting classifications (1 of 4 stars). 2 submissions from 2 submitters: Uncertain significance (1); Likely benign (1). Last evaluated 2025-02-25.

Conditions:
Mitochondrial hypertrophic cardiomyopathy with lactic acidosis due to MTO1 deficiency. Also called: CARDIOMYOPATHY, INFANTILE HYPERTROPHIC MITOCHONDRIAL, AND LACTIC ACIDOSIS; Combined oxidative phosphorylation deficiency 10. Identifiers: Orphanet 314637, MedGen C4749921, MONDO:0013865, OMIM 614702.

Allele frequency attached by ClinVar (database versions not stated): gnomAD 0.00001; gnomAD exomes 0.00002; TOPMed 0.00005; ExAC 0.00007.
gnomAD v4.1: 26 of 1,609,270 alleles (0.0016%); highest among the groups gnomAD compares: Admixed American, 0.028%; no homozygotes.

Submissions (2):

Mayo Clinic Laboratories, Mayo Clinic
Classification: Likely benign. Last evaluated: 2025-02-25. Review status: criteria provided, single submitter. Criteria: ACMG Guidelines, 2015. Collection method: clinical testing. Allele origin: germline. Observed: 2 variant alleles.
Comment: BP4, BP7

Baylor Genetics
Classification: Uncertain significance for Mitochondrial hypertrophic cardiomyopathy with lactic acidosis due to MTO1 deficiency. Last evaluated: 2022-09-06. Review status: criteria provided, single submitter. Criteria: ACMG Guidelines, 2015. Collection method: clinical testing. Allele origin: unknown.